The following is an entry in ClinVar:

ClinVar aggregate classification (germline): Uncertain significance (1 of 4 stars; one submission).

Conditions:
Neuroblastoma, susceptibility to, 3. Also called: ALK-Related Neuroblastic Tumor Susceptibility. Identifiers: Orphanet 635, MedGen C2751681, MONDO:0013083, OMIM 613014.

Allele frequency attached by ClinVar (database versions not stated): gnomAD exomes below 0.00001.
gnomAD v4.1: 1 of 1,614,262 alleles (0.000062%); highest among the groups gnomAD compares: Non-Finnish European, 0.000085%; no homozygotes.

Submission:

Labcorp Genetics (formerly Invitae), Labcorp
Classification: Uncertain significance for Neuroblastoma, susceptibility to, 3. Last evaluated: 2020-11-16. Review status: criteria provided, single submitter. Criteria: Invitae Variant Classification Sherloc (09022015). Collection method: clinical testing. Allele origin: germline.
Comment: This sequence change replaces glycine with arginine at codon 820 of the ALK protein (p.Gly820Arg). The glycine residue is highly conserved and there is a moderate physicochemical difference between glycine and arginine. This variant is not present in population databases (ExAC no frequency). This variant has not been reported in the literature in individuals with ALK-related conditions. Algorithms developed to predict the effect of missense changes on protein structure and function (SIFT, PolyPhen-2, Align-GVGD) all suggest that this variant is likely to be disruptive, but these predictions have not been confirmed by published functional studies and their clinical significance is uncertain. In summary, the available evidence is currently insufficient to determine the role of this variant in disease. Therefore, it has been classified as a Variant of Uncertain Significance.

NM_004304.5(ALK):c.2458G>A (p.Gly820Arg)

Gene: ALK (ALK receptor tyrosine kinase; minus strand). Cytogenetic location: 2p23.2.
Variant type: single nucleotide variant.
Coding change: c.2458G>A on transcript NM_004304.5 (MANE Select); coding-DNA position 2458, G replaced by A.
Protein change: p.Gly820Arg; replaces glycine 820 with arginine.
Molecular consequence: missense variant.
Genome position (GRCh38, 1-based): chr2:29,233,594, C>T on the plus strand (G>A on the coding strand, the complement: ALK is on the minus strand). VCF-style: chr2-29233594-C-T. GRCh37 (hg19) VCF-style: chr2-29456460-C-T.
Other names: short protein forms G820R.
Identifiers: ClinVar variation 835197 (VCV000835197.9), dbSNP rs1664281575, ClinGen allele CA346472144.
Genomic context (GRCh38, chr2:29,233,594, plus strand): 5'-CCTGGTGGAAATCTGGCAGCACACACCATACCTTAAATACGTAGGTGGCTCCACCCCCTC[C>T]TCCTCCGCCTCCTGCCCACTCATGCACGCTTCTGTTCACACGGATTTCTTCTTCTATCAC-3'
Protein context (NP_004295.2, residues 810-830): SVHEWAGGGG[Gly820Arg]GGGATYVFKM